The following is an entry in ClinVar:

ClinVar aggregate classification (germline): Uncertain significance (1 of 4 stars; one submission).

Conditions:
MHC class II deficiency. Also called: BLS, TYPE II; Bare lymphocyte syndrome 2. Identifiers: Orphanet 572, MedGen C5447452, MONDO:0008855.

Allele frequency attached by ClinVar (database versions not stated): TOPMed below 0.00001; ExAC 0.00001; gnomAD exomes 0.00001.
gnomAD v4.1: 5 of 1,584,904 alleles (0.00032%); highest among the groups gnomAD compares: Non-Finnish European, 0.00017%; no homozygotes.

Submission:

Labcorp Genetics (formerly Invitae), Labcorp
Classification: Uncertain significance for MHC class II deficiency. Last evaluated: 2022-06-05. Review status: criteria provided, single submitter. Criteria: Invitae Variant Classification Sherloc (09022015). Collection method: clinical testing. Allele origin: germline.
Comment: This sequence change replaces arginine, which is basic and polar, with tryptophan, which is neutral and slightly polar, at codon 804 of the CIITA protein (p.Arg804Trp). This variant is present in population databases (rs781244775, gnomAD 0.03%). This variant has not been reported in the literature in individuals affected with CIITA-related conditions. ClinVar contains an entry for this variant (Variation ID: 1441267). Algorithms developed to predict the effect of missense changes on protein structure and function are either unavailable or do not agree on the potential impact of this missense change (SIFT: "Deleterious"; PolyPhen-2: "Possibly Damaging"; Align-GVGD: "Class C0"). In summary, the available evidence is currently insufficient to determine the role of this variant in disease. Therefore, it has been classified as a Variant of Uncertain Significance.

NM_000246.4(CIITA):c.2410C>T (p.Arg804Trp)

Gene: CIITA (class II major histocompatibility complex transactivator; plus strand). Cytogenetic location: 16p13.13.
Variant type: single nucleotide variant.
Coding change: c.2410C>T on transcript NM_000246.4 (MANE Select); coding-DNA position 2410, C replaced by T.
Protein change: p.Arg804Trp; replaces arginine 804 with tryptophan.
Molecular consequence: missense variant. On other transcripts: intron variant (1).
Genome position (GRCh38, 1-based): chr16:10,907,902, C>T. VCF-style: chr16-10907902-C-T. GRCh37 (hg19) VCF-style: chr16-11001759-C-T.
Other names: c.2413C>T, p.Arg805Trp (NM_001286402.1, NM_001379332.1); c.2266C>T, p.Arg756Trp (NM_001379330.1); c.2263C>T, p.Arg755Trp (NM_001379331.1); c.2410C>T, p.Arg804Trp (NM_001379333.1); c.2341C>T, p.Arg781Trp (NM_001379334.1); c.860-1081C>T (NM_001286403.2); short protein forms R781W, R755W, R756W, R805W, R804W.
Identifiers: ClinVar variation 1441267 (VCV001441267.3), dbSNP rs781244775, ClinGen allele CA7900371.
Genomic context (GRCh38, chr16:10,907,902, plus strand): 5'-AGGAAGCAGAAGGTGCTTGCGAGGTACCTGAAGCGGCTGCAGCCGGGGACACTGCGGGCG[C>T]GGCAGCTGCTGGAGCTGCTGCACTGCGCCCACGAGGCCGAGGAGGCTGGAATTTGGCAGC-3'
Protein context (NP_000237.2, residues 794-814): KRLQPGTLRA[Arg804Trp]QLLELLHCAH